The following is an entry in ClinVar:

ClinVar aggregate classification (germline): Uncertain significance (1 of 4 stars; one submission).

Conditions:
Bethlem myopathy 1A. Also called: Bethlem Muscular Dystrophy; MYOPATHY, BENIGN CONGENITAL, WITH CONTRACTURES; Bethlem myopathy 1. Identifiers: Orphanet 610, MedGen CN029274, MONDO:0024530, OMIM 158810.

gnomAD v4.1: 2 of 1,614,228 alleles (0.00012%); highest among the groups gnomAD compares: Non-Finnish European, 0.00017%; no homozygotes.

Submission:

MGZ Medical Genetics Center
Classification: Uncertain significance for Bethlem myopathy 1A. Last evaluated: 2021-09-20. Review status: criteria provided, single submitter. Criteria: ACMG Guidelines, 2015. Collection method: clinical testing. Allele origin: germline. Affected: yes. Observed: 1 variant allele.
Comment: ACMG criteria applied: PM2_SUP, PP3

NM_004369.4(COL6A3):c.4496T>G (p.Val1499Gly)

Gene: COL6A3 (collagen type VI alpha 3 chain; minus strand). Cytogenetic location: 2q37.3.
Variant type: single nucleotide variant.
Coding change: c.4496T>G on transcript NM_004369.4 (MANE Select); coding-DNA position 4496, T replaced by G.
Protein change: p.Val1499Gly; replaces valine 1499 with glycine.
Molecular consequence: missense variant.
Genome position (GRCh38, 1-based): chr2:237,368,967, A>C on the plus strand (T>G on the coding strand, the complement: COL6A3 is on the minus strand). VCF-style: chr2-237368967-A-C. GRCh37 (hg19) VCF-style: chr2-238277610-A-C.
Other names: c.2675T>G, p.Val892Gly (NM_057166.5); c.3878T>G, p.Val1293Gly (NM_057167.4); short protein forms V1293G, V1499G, V892G.
Identifiers: ClinVar variation 1709945 (VCV001709945.2), dbSNP rs769357156, ClinGen allele CA351193202.